The following is an entry in ClinVar:

ClinVar aggregate classification (germline): Benign/Likely benign. Review status: criteria provided, multiple submitters, no conflicts (2 of 4 stars). 10 submissions from 10 submitters: Benign (3); Likely benign (7). Last evaluated 2025-11-27.

Conditions:
Hereditary cancer-predisposing syndrome. Also called: Tumor predisposition; Neoplastic Syndromes, Hereditary; Hereditary Cancer Syndrome; Hereditary neoplastic syndrome. Identifiers: Orphanet 140162, MedGen C0027672, MeSH D009386, MONDO:0015356.
Hereditary diffuse gastric adenocarcinoma (HDGC). Also called: DIFFUSE GASTRIC AND LOBULAR BREAST CANCER SYNDROME. Identifiers: Orphanet 26106, MedGen C1708349, MONDO:0007648, OMIM 137215.

Allele frequency attached by ClinVar (database versions not stated): gnomAD exomes below 0.00001; gnomAD 0.00002; TOPMed 0.00002.
gnomAD v4.1: 19 of 1,613,728 alleles (0.0012%); highest among the groups gnomAD compares: Non-Finnish European, 0.0015%; no homozygotes.

Submissions (10):

Labcorp Genetics (formerly Invitae), Labcorp
Classification: Likely benign for Hereditary diffuse gastric adenocarcinoma. Last evaluated: 2025-11-27. Review status: criteria provided, single submitter. Criteria: Invitae Variant Classification Sherloc (09022015). Collection method: clinical testing. Allele origin: germline.

CeGaT Center for Human Genetics Tuebingen
Classification: Likely benign. Last evaluated: 2025-07-01. Review status: criteria provided, single submitter. Criteria: CeGaT Center For Human Genetics Tuebingen Variant Classification Criteria Version 2. Collection method: clinical testing. Allele origin: germline. Affected: yes. Observed: 1 variant allele.
Comment: CDH1: BP4, BP7

Center for Genomic Medicine, Rigshospitalet, Copenhagen University Hospital
Classification: Likely benign. Last evaluated: 2025-03-04. Review status: criteria provided, single submitter. Criteria: ACMG Guidelines, 2015. Collection method: clinical testing. Allele origin: germline.
Comment: Classification criteria: BP7 + BP4

Myriad Genetics, Inc.
Classification: Benign for Hereditary diffuse gastric adenocarcinoma. Last evaluated: 2024-09-20. Review status: criteria provided, single submitter. Criteria: Myriad Autosomal Dominant, Autosomal Recessive and X-Linked Classification Criteria (2023). Collection method: clinical testing. Allele origin: unknown.
Comment: This variant is considered benign. This variant is a silent/synonymous amino acid change and it is not expected to impact splicing.

Sema4
Classification: Likely benign for Hereditary cancer-predisposing syndrome. Last evaluated: 2022-01-06. Review status: criteria provided, single submitter. Criteria: Sema4 Curation Guidelines. Collection method: curation. Allele origin: germline.

Women's Health and Genetics/Laboratory Corporation of America, LabCorp
Classification: Likely benign. Last evaluated: 2019-11-03. Review status: criteria provided, single submitter. Criteria: LabCorp Variant Classification Summary - May 2015. Collection method: clinical testing. Allele origin: germline.

Quest Diagnostics Nichols Institute San Juan Capistrano
Classification: Benign. Last evaluated: 2018-11-21. Review status: criteria provided, single submitter. Criteria: Quest Diagnostics criteria. Collection method: clinical testing. Allele origin: germline.

Color Diagnostics, LLC DBA Color Health
Classification: Likely benign for Hereditary cancer-predisposing syndrome. Last evaluated: 2017-12-05. Review status: criteria provided, single submitter. Criteria: ACMG Guidelines, 2015. Collection method: clinical testing. Allele origin: germline.

Ambry Genetics
Classification: Likely benign for Hereditary cancer-predisposing syndrome. Last evaluated: 2015-01-20. Review status: criteria provided, single submitter. Criteria: Ambry Variant Classification Scheme 2023. Collection method: clinical testing. Allele origin: germline.

GeneDx
Classification: Benign. Last evaluated: 2014-06-23. Review status: criteria provided, single submitter. Criteria: GeneDx Variant Classification (06012015). Collection method: clinical testing. Allele origin: germline. Affected: yes.
Comment: This variant is considered likely benign or benign based on one or more of the following criteria: it is a conservative change, it occurs at a poorly conserved position in the protein, it is predicted to be benign by multiple in silico algorithms, and/or has population frequency not consistent with disease.

NM_004360.5(CDH1):c.2103C>T (p.Val701=)

Gene: CDH1 (cadherin 1; plus strand). Cytogenetic location: 16q22.1.
Variant type: single nucleotide variant.
Coding change: c.2103C>T on transcript NM_004360.5 (MANE Select); coding-DNA position 2103, C replaced by T.
Protein change: p.Val701=; no amino-acid change (valine 701 retained).
Molecular consequence: synonymous variant.
Genome position (GRCh38, 1-based): chr16:68,823,565, C>T. VCF-style: chr16-68823565-C-T. GRCh37 (hg19) VCF-style: chr16-68857468-C-T.
Other names: p.V701V:GTC>GTT; c.1920C>T, p.Val640= (NM_001317184.2); c.555C>T, p.Val185= (NM_001317185.2); c.138C>T, p.Val46= (NM_001317186.2); c.2103C>T (LRG_301t1).
Identifiers: ClinVar variation 182382 (VCV000182382.32), dbSNP rs730881656, ClinGen allele CA298952.